The following is an entry in ClinVar:

ClinVar aggregate classification (germline): Uncertain significance. Review status: criteria provided, multiple submitters, no conflicts (2 of 4 stars). 2 submissions from 2 submitters: Uncertain significance (2). Last evaluated 2025-10-06.

Allele frequency attached by ClinVar (database versions not stated): gnomAD exomes 0.00001; TOPMed 0.00001; gnomAD 0.00002.
gnomAD v4.1: 24 of 1,613,482 alleles (0.0015%); highest among the groups gnomAD compares: Middle Eastern, 0.016%; no homozygotes.

Submissions (2):

Ambry Genetics
Classification: Uncertain significance. Last evaluated: 2025-10-06. Review status: criteria provided, single submitter. Criteria: Ambry Variant Classification Scheme 2023. Collection method: clinical testing. Allele origin: germline.

Labcorp Genetics (formerly Invitae), Labcorp
Classification: Uncertain significance. Last evaluated: 2023-10-15. Review status: criteria provided, single submitter. Criteria: Invitae Variant Classification Sherloc (09022015). Collection method: clinical testing. Allele origin: germline.
Comment: This sequence change replaces leucine, which is neutral and non-polar, with arginine, which is basic and polar, at codon 806 of the KLB protein (p.Leu806Arg). This variant is present in population databases (no rsID available, gnomAD 0.004%). This variant has not been reported in the literature in individuals affected with KLB-related conditions. Advanced modeling of protein sequence and biophysical properties (such as structural, functional, and spatial information, amino acid conservation, physicochemical variation, residue mobility, and thermodynamic stability) performed at Invitae indicates that this missense variant is expected to disrupt KLB protein function. In summary, the available evidence is currently insufficient to determine the role of this variant in disease. Therefore, it has been classified as a Variant of Uncertain Significance.

NM_175737.4(KLB):c.2417T>G (p.Leu806Arg)

Genes: KLB (klotho beta; plus strand), LOC129992452 (ATAC-STARR-seq lymphoblastoid active region 21458; plus strand). Cytogenetic location: 4p14.
Variant type: single nucleotide variant.
Coding change: c.2417T>G on transcript NM_175737.4 (MANE Select); coding-DNA position 2417, T replaced by G.
Protein change: p.Leu806Arg; replaces leucine 806 with arginine.
Molecular consequence: missense variant.
Genome position (GRCh38, 1-based): chr4:39,447,143, T>G. VCF-style: chr4-39447143-T-G. GRCh37 (hg19) VCF-style: chr4-39448763-T-G.
Other names: c.2417T>G (NM_175737.3); short protein forms L806R.
Identifiers: ClinVar variation 2893510 (VCV002893510.4), dbSNP rs902877992, ClinGen allele CA95712121.
Genomic context (GRCh38, chr4:39,447,143, plus strand): 5'-TGAGGGAATACATTGCCTCCAAGCACCGACGGGGGCTTTCCAGCTCGGCCCTGCCGCGCC[T>G]CACCGAGGCCGAAAGGAGGCTGCTCAAGGGCACGGTCGACTTCTGCGCGCTCAACCACTT-3'
Protein context (NP_783864.1, residues 796-816): RGLSSSALPR[Leu806Arg]TEAERRLLKG